The following is an entry in ClinVar:

NM_000466.3(PEX1):c.3505_3517del (p.Gln1169fs)

Genes: GATAD1 (GATA zinc finger domain containing 1; plus strand), PEX1 (peroxisomal biogenesis factor 1; minus strand). Cytogenetic location: 7q21.2.
Variant type: Deletion.
Coding change: c.3505_3517del on transcript NM_000466.3 (MANE Select); coding-DNA positions 3505 to 3517, 13 bases deleted (CAGTTGTTTTCAC).
Protein change: p.Gln1169fs; shifts the reading frame from glutamine 1169.
Molecular consequence: frameshift variant.
Genome position (GRCh38, 1-based): chr7:92,489,833-92,489,845, GTGAAAACAACTG deleted on the plus strand (CAGTTGTTTTCAC on the coding strand, the reverse complement: PEX1 is on the minus strand); deleting any 13 consecutive bases within chr7:92,489,833-92,489,847 gives the same sequence; the c. name uses the placement nearest the transcript's 3' end. VCF-style (leftmost placement, unchanged base first): chr7-92489832-TGTGAAAACAACTG-T. GRCh37 (hg19) VCF-style: chr7-92119146-TGTGAAAACAACTG-T.
Other names: c.3334_3346del, p.Gln1112fs (NM_001282677.2); c.2881_2893del, p.Gln961fs (NM_001282678.2); short protein forms Q1169fs, Q961fs, Q1112fs.
Identifiers: ClinVar variation 167443 (VCV000167443.8), dbSNP rs727504076, ClinGen allele CA234517.

ClinVar aggregate classification (germline): Pathogenic. Review status: criteria provided, multiple submitters, no conflicts (2 of 4 stars). 2 submissions from 2 submitters: Pathogenic (2). Last evaluated 2025-08-07.

Conditions:
Zellweger spectrum disorders (ZS). Also called: Zellweger Spectrum Disorder; Zellweger Spectrum; Zellweger syndrome; Zellweger Spectrum Disorder (ZSD). Identifiers: Orphanet 912, MedGen C0043459, MONDO:0019609.

Submissions (2):

Labcorp Genetics (formerly Invitae), Labcorp
Classification: Pathogenic for Zellweger spectrum disorders. Last evaluated: 2025-08-07. Review status: criteria provided, single submitter. Criteria: Invitae Variant Classification Sherloc (09022015). Collection method: clinical testing. Allele origin: germline.
Comment: This sequence change creates a premature translational stop signal (p.Gln1169Serfs*5) in the PEX1 gene. It is expected to result in an absent or disrupted protein product. Loss-of-function variants in PEX1 are known to be pathogenic (PMID: 21031596, 26387595, 31831025). This variant is not present in population databases (gnomAD no frequency). This variant has not been reported in the literature in individuals affected with PEX1-related conditions. ClinVar contains an entry for this variant (Variation ID: 167443). For these reasons, this variant has been classified as Pathogenic.

Eurofins Ntd Llc (ga)
Classification: Pathogenic. Last evaluated: 2014-02-11. Review status: criteria provided, single submitter. Criteria: EGL Classification Definitions 2015. Collection method: clinical testing. Allele origin: germline. Observed: 2 variant alleles, 2 heterozygotes.

Literature cited by the submitters: PubMed 21031596 (cited by Labcorp Genetics (formerly Invitae), Labcorp); PubMed 26387595 (cited by Labcorp Genetics (formerly Invitae), Labcorp); PubMed 31831025 (cited by Labcorp Genetics (formerly Invitae), Labcorp).